The following is an entry in ClinVar:

NM_000268.4(NF2):c.1507G>A (p.Asp503Asn)

Gene: NF2 (NF2, moesin-ezrin-radixin like (MERLIN) tumor suppressor; plus strand). Cytogenetic location: 22q12.2.
Variant type: single nucleotide variant.
Coding change: c.1507G>A on transcript NM_000268.4 (MANE Select); coding-DNA position 1507, G replaced by A.
Protein change: p.Asp503Asn; replaces aspartic acid 503 with asparagine.
Molecular consequence: missense variant. On other transcripts: non-coding transcript variant (1), intron variant (1).
Genome position (GRCh38, 1-based): chr22:29,678,256, G>A. VCF-style: chr22-29678256-G-A. GRCh37 (hg19) VCF-style: chr22-30074245-G-A.
Other names: c.1393G>A, p.Asp465Asn (NM_001407053.1, NM_001407056.1); c.1384G>A, p.Asp462Asn (NM_001407054.1, NM_001407058.1, NM_181829.3); c.1381G>A, p.Asp461Asn (NM_001407055.1, NM_181828.3); c.1372G>A, p.Asp458Asn (NM_001407057.1, NM_001407059.1); c.1507G>A, p.Asp503Asn (NM_001407060.1, NM_001407066.1, NM_016418.5 and 2 more transcripts); c.1249G>A, p.Asp417Asn (NM_001407062.1); c.1258G>A, p.Asp420Asn (NM_001407063.1, NM_001407064.1, NM_181830.3 and 1 more transcripts); c.973G>A, p.Asp325Asn (NM_001407065.1); and 2 more; short protein forms D417N, D420N, D503N, D462N, D325N, D458N, D426N, D461N.
Identifiers: ClinVar variation 2108341 (VCV002108341.5), dbSNP rs2518712574, ClinGen allele CA411149662.
Genomic context (GRCh38, chr22:29,678,256, plus strand): 5'-CCCATGAACCCAATTCCAGCACCGTTGCCTCCTGACATACCAAGCTTCAACCTCATTGGT[G>A]ACAGCCTGTCTTTCGACTTCAAAGATACTGACATGAAGCGGCTTTCCATGGAGATAGAGA-3'
Protein context (NP_000259.1, residues 493-513): PDIPSFNLIG[Asp503Asn]SLSFDFKDTD

ClinVar aggregate classification (germline): Uncertain significance. Review status: criteria provided, multiple submitters, no conflicts (2 of 4 stars). 2 submissions from 2 submitters: Uncertain significance (2). Last evaluated 2026-06-03.

Conditions:
Hereditary cancer-predisposing syndrome. Also called: Neoplastic Syndromes, Hereditary; Tumor predisposition; Hereditary Cancer Syndrome; Hereditary neoplastic syndrome. Identifiers: Orphanet 140162, MedGen C0027672, MeSH D009386, MONDO:0015356.
Neurofibromatosis, type 2 (SWNV). Also called: SCHWANNOMATOSIS, VESTIBULAR; BILATERAL ACOUSTIC NEUROFIBROMATOSIS; NF2-Related Schwannomatosis. Identifiers: Orphanet 637, MedGen C0027832, MONDO:0007039, OMIM 101000. Disease mechanism: loss of function.

Submissions (2):

Ambry Genetics
Classification: Uncertain significance for Hereditary cancer-predisposing syndrome. Last evaluated: 2026-06-03. Review status: criteria provided, single submitter. Criteria: Ambry Variant Classification Scheme 2023. Collection method: clinical testing. Allele origin: germline.
Comment: The p.D503N variant (also known as c.1507G>A), located in coding exon 14 of the NF2 gene, results from a G to A substitution at nucleotide position 1507. The aspartic acid at codon 503 is replaced by asparagine, an amino acid with highly similar properties. This amino acid position is conserved. In addition, this alteration is predicted to be tolerated by in silico analysis. Based on the available evidence, the clinical significance of this variant remains unclear.

Labcorp Genetics (formerly Invitae), Labcorp
Classification: Uncertain significance for Neurofibromatosis, type 2. Last evaluated: 2022-04-24. Review status: criteria provided, single submitter. Criteria: Invitae Variant Classification Sherloc (09022015). Collection method: clinical testing. Allele origin: germline.
Comment: In summary, the available evidence is currently insufficient to determine the role of this variant in disease. Therefore, it has been classified as a Variant of Uncertain Significance. Algorithms developed to predict the effect of missense changes on protein structure and function (SIFT, PolyPhen-2, Align-GVGD) all suggest that this variant is likely to be tolerated. This variant has not been reported in the literature in individuals affected with NF2-related conditions. This variant is not present in population databases (gnomAD no frequency). This sequence change replaces aspartic acid, which is acidic and polar, with asparagine, which is neutral and polar, at codon 503 of the NF2 protein (p.Asp503Asn).